The following is an entry in ClinVar:

ClinVar aggregate classification (germline): Affects (0 of 4 stars; one submission).

Conditions:
Blood group, P1PK system. Identifiers: MedGen C3549485, OMIM 111400.

Submission:

National Institute of Immunohaematology, Indian Council of Medical Research
Classification: Affects for Blood group, P1PK system. Review status: no assertion criteria provided. Collection method: research. Allele origin: inherited. Affected: yes.
Comment: The NM_017436.7, c.72dupC, is a frameshift insertion in a exon 3 of a A4GALT gene which is predicted to result in a premature termination of protein, and likely results in absent or disrupted protein product (A4GALT). The anti-PP1Pk antibody has been naturally produced in p phenotype individual. These antibodies are responsible for severe hemolytic transfusion reactions (HTR) and haemolytic disease of new born (HDFN). This phenotype functionally confirmed by serological assay using preserved anti-PP1Pk antibody. This novel variant is not present in gnomAD and not reported in literature. In summary, this variant meets criteria to be classified as affecting for rare p phenotype based on an online resource .

Literature cited by the submitters: DOI 10.1111/trf.12355; DOI 10.1074/jbc.C000625200; DOI 10.1111/j.1365-2141.2004.04930.x.

NM_017436.7(A4GALT):c.218del (p.Gly73fs)

Gene: A4GALT (alpha 1,4-galactosyltransferase (P1PK blood group); minus strand). Cytogenetic location: 22q13.2.
Variant type: Deletion.
Coding change: c.218del on transcript NM_017436.7 (MANE Select); coding-DNA position 218, one base deleted (G; older notation c.218delG).
Protein change: p.Gly73fs; shifts the reading frame from glycine 73.
Molecular consequence: frameshift variant.
Genome position (GRCh38, 1-based): chr22:42,693,734, C deleted on the plus strand (G on the coding strand, the reverse complement: A4GALT is on the minus strand); the first of 2 consecutive C bases (chr22:42,693,734-42,693,735); deleting either gives the same sequence. VCF-style (leftmost placement, unchanged base first): chr22-42693733-GC-G. GRCh37 (hg19) VCF-style: chr22-43089739-GC-G.
Other names: c.218del, p.Gly73fs (NM_001318038.3); short protein forms G73fs.
Identifiers: ClinVar variation 3358858 (VCV003358858.1).